The following is an entry in ClinVar:

ClinVar aggregate classification (germline): Uncertain significance. Review status: criteria provided, multiple submitters, no conflicts (2 of 4 stars). 2 submissions from 2 submitters: Uncertain significance (2). Last evaluated 2023-08-22.

Conditions:
Hyperlipidemia due to hepatic triglyceride lipase deficiency. Also called: LIPC DEFICIENCY. Identifiers: Orphanet 140905, MedGen C3151466, MONDO:0013533, OMIM 614025.
Type 2 diabetes mellitus. Also called: Type II diabetes mellitus. Identifiers: MedGen C0011860, MeSH D003924, MONDO:0005148, OMIM 125853, HP:0005978.
High density lipoprotein cholesterol level quantitative trait locus 12 (HDLCQ12). Identifiers: MedGen C2675071, OMIM 612797.

Allele frequency attached by ClinVar (database versions not stated): TOPMed 0.00002.
gnomAD v4.1: 13 of 1,612,904 alleles (0.00081%); highest among the groups gnomAD compares: South Asian, 0.0011%; no homozygotes.

Submissions (2):

Ambry Genetics
Classification: Uncertain significance. Last evaluated: 2023-08-22. Review status: criteria provided, single submitter. Criteria: Ambry Variant Classification Scheme 2023. Collection method: clinical testing. Allele origin: germline.

Juno Genomics, Hangzhou Juno Genomics, Inc
Classification: Uncertain significance for High density lipoprotein cholesterol level quantitative trait locus 12; Type 2 diabetes mellitus; Hyperlipidemia due to hepatic triglyceride lipase deficiency. Review status: criteria provided, single submitter. Criteria: ACMG Guidelines, 2015. Collection method: clinical testing. Allele origin: germline.
Comment: Absent from controls (or at extremely low frequency if recessive) in Genome Aggregation Database.;Multiple lines of computational evidence support a deleterious effect on the gene or gene product.

NM_000236.3(LIPC):c.349G>A (p.Val117Met)

Gene: LIPC (lipase C, hepatic type; plus strand). Cytogenetic location: 15q21.3.
Variant type: single nucleotide variant.
Coding change: c.349G>A on transcript NM_000236.3 (MANE Select); coding-DNA position 349, G replaced by A.
Protein change: p.Val117Met; replaces valine 117 with methionine.
Molecular consequence: missense variant.
Genome position (GRCh38, 1-based): chr15:58,541,860, G>A. VCF-style: chr15-58541860-G-A. GRCh37 (hg19) VCF-style: chr15-58834059-G-A.
Other names: short protein forms V117M.
Identifiers: ClinVar variation 2596743 (VCV002596743.4), dbSNP rs1224146239, ClinGen allele CA392611206.